The following is an entry in ClinVar:

ClinVar aggregate classification (germline): Uncertain significance (1 of 4 stars; one submission).

gnomAD v4.1: 8 of 1,614,042 alleles (0.0005%); highest among the groups gnomAD compares: Non-Finnish European, 0.00068%; no homozygotes.

Submission:

GeneDx
Classification: Uncertain significance. Last evaluated: 2025-06-20. Review status: criteria provided, single submitter. Criteria: GeneDx Variant Classification Process June 2021. Collection method: clinical testing. Allele origin: germline. Affected: yes.
Comment: Not observed at significant frequency in large population cohorts (gnomAD); In silico analysis suggests that this missense variant does not alter protein structure/function; Has not been previously published as pathogenic or benign to our knowledge

NM_001353694.2(TIAM1):c.3413G>A (p.Arg1138His)

Gene: TIAM1 (TIAM Rac1 associated GEF 1; minus strand). Cytogenetic location: 21q22.11.
Variant type: single nucleotide variant.
Coding change: c.3413G>A on transcript NM_001353694.2 (MANE Select); coding-DNA position 3413, G replaced by A.
Protein change: p.Arg1138His; replaces arginine 1138 with histidine.
Molecular consequence: missense variant.
Genome position (GRCh38, 1-based): chr21:31,146,957, C>T on the plus strand (G>A on the coding strand, the complement: TIAM1 is on the minus strand). VCF-style: chr21-31146957-C-T. GRCh37 (hg19) VCF-style: chr21-32519275-C-T.
Other names: c.512G>A, p.Arg171His (NM_001353684.2); c.437G>A, p.Arg146His (NM_001353685.2); c.3338G>A, p.Arg1113His (NM_001353686.2, NM_001353687.2); c.3413G>A, p.Arg1138His (NM_001353688.1, NM_001353689.1, NM_001353690.1 and 4 more transcripts); short protein forms R1113H, R1138H, R146H, R171H.
Identifiers: ClinVar variation 4538656 (VCV004538656.1).